The following is an entry in ClinVar:

NM_002204.4(ITGA3):c.1382+3G>A

Gene: ITGA3 (integrin subunit alpha 3; plus strand). Cytogenetic location: 17q21.33.
Variant type: single nucleotide variant.
Coding change: c.1382+3G>A on transcript NM_002204.4 (MANE Select); 3 bases into the intron after coding-DNA position 1382, G replaced by A.
Molecular consequence: intron variant.
Genome position (GRCh38, 1-based): chr17:50,074,283, G>A. VCF-style: chr17-50074283-G-A. GRCh37 (hg19) VCF-style: chr17-48151647-G-A.
Other names: p.?.
Identifiers: ClinVar variation 714736 (VCV000714736.13), dbSNP rs144049965, ClinGen allele CA8641515.

ClinVar aggregate classification (germline): Benign/Likely benign. Review status: criteria provided, multiple submitters, no conflicts (2 of 4 stars). 4 submissions from 4 submitters: Benign (1); Likely benign (3). Last evaluated 2025-12-29.

Allele frequency attached by ClinVar (database versions not stated): gnomAD exomes 0.00034 and 0.00093; ExAC 0.00123; gnomAD 0.00389 and 0.00419; 1000 Genomes Project 30x 0.00406; TOPMed 0.00421; 1000 Genomes Project 0.00439; ESP Exome Variant Server 0.00477.
gnomAD v4.1: 1,126 of 1,613,840 alleles (0.07%); highest among the groups gnomAD compares: African/African-American, 1.3%; 5 homozygotes.

Submissions (4):

Labcorp Genetics (formerly Invitae), Labcorp
Classification: Benign. Last evaluated: 2025-12-29. Review status: criteria provided, single submitter. Criteria: Invitae Variant Classification Sherloc (09022015). Collection method: clinical testing. Allele origin: germline.

Mayo Clinic Laboratories, Mayo Clinic
Classification: Likely benign. Last evaluated: 2025-11-13. Review status: criteria provided, single submitter. Criteria: ACMG Guidelines, 2015. Collection method: clinical testing. Allele origin: germline. Observed: 3 variant alleles.
Comment: BS1, BP4, BP7

Blueprint Genetics
Classification: Likely benign. Last evaluated: 2024-11-05. Review status: criteria provided, single submitter. Criteria: ACMG Guidelines, 2015. Collection method: clinical testing. Allele origin: germline.

GeneDx
Classification: Likely benign. Last evaluated: 2021-10-27. Review status: criteria provided, single submitter. Criteria: GeneDx Variant Classification Process June 2021. Collection method: clinical testing. Allele origin: germline. Affected: yes.